The following is an entry in ClinVar:

NM_004329.3(BMPR1A):c.1546A>G (p.Arg516Gly)

Gene: BMPR1A (bone morphogenetic protein receptor type 1A; plus strand). Cytogenetic location: 10q23.2.
Variant type: single nucleotide variant.
Coding change: c.1546A>G on transcript NM_004329.3 (MANE Select); coding-DNA position 1546, A replaced by G.
Protein change: p.Arg516Gly; replaces arginine 516 with glycine.
Molecular consequence: missense variant. On other transcripts: non-coding transcript variant (3).
Genome position (GRCh38, 1-based): chr10:86,923,666, A>G. VCF-style: chr10-86923666-A-G. GRCh37 (hg19) VCF-style: chr10-88683423-A-G.
Other names: c.1621A>G, p.Arg541Gly (NM_001406559.1); c.1594A>G, p.Arg532Gly (NM_001406560.1); c.1546A>G, p.Arg516Gly (NM_001406561.1, NM_001406562.1, NM_001406563.1 and 19 more transcripts); c.1540A>G, p.Arg514Gly (NM_001406583.1); c.1462A>G, p.Arg488Gly (NM_001406584.1, NM_001406585.1, NM_001406586.1 and 2 more transcripts); c.1204A>G, p.Arg402Gly (NM_001406589.1); short protein forms R514G, R402G, R516G, R488G, R532G, R541G.
Identifiers: ClinVar variation 5033000 (VCV005033000.1).
Genomic context (GRCh38, chr10:86,923,666, plus strand): 5'-GTTTTGAAGCTAATGTCAGAATGCTGGGCCCACAATCCAGCCTCCAGACTCACAGCATTG[A>G]GAATTAAGAAGACGCTTGCCAAGATGGTTGAATCCCAAGATGTAAAAATCTGATGGTTAA-3'
Protein context (NP_004320.2, residues 506-526): HNPASRLTAL[Arg516Gly]IKKTLAKMVE

ClinVar aggregate classification (germline): Uncertain significance (1 of 4 stars; one submission).

Conditions:
Hereditary cancer-predisposing syndrome. Also called: Neoplastic Syndromes, Hereditary; Tumor predisposition; Hereditary neoplastic syndrome; Hereditary Cancer Syndrome. Identifiers: Orphanet 140162, MedGen C0027672, MeSH D009386, MONDO:0015356.

Submission:

Ambry Genetics
Classification: Uncertain significance for Hereditary cancer-predisposing syndrome. Last evaluated: 2026-07-07. Review status: criteria provided, single submitter. Criteria: Ambry Variant Classification Scheme 2023. Collection method: clinical testing. Allele origin: germline.
Comment: The p.R516G variant (also known as c.1546A>G), located in coding exon 11 of the BMPR1A gene, results from an A to G substitution at nucleotide position 1546. The arginine at codon 516 is replaced by glycine, an amino acid with dissimilar properties. This amino acid position is conserved. In addition, this alteration is predicted to be deleterious by in silico analysis. Based on the available evidence, the clinical significance of this variant remains unclear.